The following is an entry in ClinVar:

NM_001394062.1(MACF1):c.19996G>A (p.Asp6666Asn)

Gene: MACF1 (microtubule actin crosslinking factor 1; plus strand). Cytogenetic location: 1p34.3.
Variant type: single nucleotide variant.
Coding change: c.19996G>A on transcript NM_001394062.1 (MANE Select); coding-DNA position 19996, G replaced by A.
Protein change: p.Asp6666Asn; replaces aspartic acid 6666 with asparagine.
Molecular consequence: missense variant.
Genome position (GRCh38, 1-based): chr1:39,448,060, G>A. VCF-style: chr1-39448060-G-A. GRCh37 (hg19) VCF-style: chr1-39913732-G-A.
Other names: c.8074G>A, p.Asp2692Asn (NM_001397473.1); c.13819G>A, p.Asp4607Asn (NM_012090.5); short protein forms D2692N, D4607N, D6666N.
Identifiers: ClinVar variation 1698330 (VCV001698330.2), dbSNP rs2148674046, ClinGen allele CA339820394.

ClinVar aggregate classification (germline): Uncertain significance (1 of 4 stars; one submission).

Submission:

GeneDx
Classification: Uncertain significance. Last evaluated: 2022-01-25. Review status: criteria provided, single submitter. Criteria: GeneDx Variant Classification Process June 2021. Collection method: clinical testing. Allele origin: germline. Affected: yes.
Comment: Not observed at significant frequency in large population cohorts (gnomAD); In silico analysis supports that this missense variant has a deleterious effect on protein structure/function; Has not been previously published as pathogenic or benign to our knowledge